The following is an entry in ClinVar:

NM_012193.4(FZD4):c.890T>A (p.Leu297His)

Genes: FZD4 (frizzled class receptor 4; minus strand), PRSS23 (serine protease 23; plus strand). Cytogenetic location: 11q14.2.
Variant type: single nucleotide variant.
Coding change: c.890T>A on transcript NM_012193.4 (MANE Select); coding-DNA position 890, T replaced by A.
Protein change: p.Leu297His; replaces leucine 297 with histidine.
Molecular consequence: missense variant. On other transcripts: non-coding transcript variant (2).
Genome position (GRCh38, 1-based): chr11:86,951,866, A>T on the plus strand (T>A on the coding strand, the complement: FZD4 is on the minus strand). VCF-style: chr11-86951866-A-T. GRCh37 (hg19) VCF-style: chr11-86662908-A-T.
Other names: short protein forms L297H.
Identifiers: ClinVar variation 1368338 (VCV001368338.8), dbSNP rs2135040927, ClinGen allele CA382013912.

ClinVar aggregate classification (germline): Uncertain significance (1 of 4 stars; one submission).

gnomAD v4.1: 1 of 1,613,710 alleles (0.000062%); no homozygotes.

Submission:

Labcorp Genetics (formerly Invitae), Labcorp
Classification: Uncertain significance. Last evaluated: 2021-01-31. Review status: criteria provided, single submitter. Criteria: Invitae Variant Classification Sherloc (09022015). Collection method: clinical testing. Allele origin: germline.
Comment: This variant is not present in population databases (ExAC no frequency). This sequence change replaces leucine with histidine at codon 297 of the FZD4 protein (p.Leu297His). The leucine residue is highly conserved and there is a moderate physicochemical difference between leucine and histidine. This variant has not been reported in the literature in individuals with FZD4-related conditions. In summary, the available evidence is currently insufficient to determine the role of this variant in disease. Therefore, it has been classified as a Variant of Uncertain Significance. Algorithms developed to predict the effect of missense changes on protein structure and function are either unavailable or do not agree on the potential impact of this missense change (SIFT: "Deleterious"; PolyPhen-2: "Benign"; Align-GVGD: "Class C65").